The following is an entry in ClinVar:

ClinVar aggregate classification (germline): Uncertain significance (1 of 4 stars; one submission).

Allele frequency attached by ClinVar (database versions not stated): gnomAD 0.00001.
gnomAD v4.1: 1 of 1,614,122 alleles (0.000062%); highest among the groups gnomAD compares: Admixed American, 0.0017%; no homozygotes.

Submission:

Labcorp Genetics (formerly Invitae), Labcorp
Classification: Uncertain significance. Last evaluated: 2021-11-05. Review status: criteria provided, single submitter. Criteria: Invitae Variant Classification Sherloc (09022015). Collection method: clinical testing. Allele origin: germline.
Comment: This sequence change replaces threonine, which is neutral and polar, with serine, which is neutral and polar, at codon 276 of the JAK1 protein (p.Thr276Ser). This variant is not present in population databases (gnomAD no frequency). In summary, the available evidence is currently insufficient to determine the role of this variant in disease. Therefore, it has been classified as a Variant of Uncertain Significance. Algorithms developed to predict the effect of missense changes on protein structure and function are either unavailable or do not agree on the potential impact of this missense change (SIFT: "Not Available"; PolyPhen-2: "Benign"; Align-GVGD: "Not Available"). This variant has not been reported in the literature in individuals affected with JAK1-related conditions.

NM_002227.4(JAK1):c.827C>G (p.Thr276Ser)

Gene: JAK1 (Janus kinase 1; minus strand). Cytogenetic location: 1p31.3.
Variant type: single nucleotide variant.
Coding change: c.827C>G on transcript NM_002227.4 (MANE Select); coding-DNA position 827, C replaced by G.
Protein change: p.Thr276Ser; replaces threonine 276 with serine.
Molecular consequence: missense variant.
Genome position (GRCh38, 1-based): chr1:64,867,029, G>C on the plus strand (C>G on the coding strand, the complement: JAK1 is on the minus strand). VCF-style: chr1-64867029-G-C. GRCh37 (hg19) VCF-style: chr1-65332712-G-C.
Other names: c.827C>G, p.Thr276Ser (NM_001320923.2, NM_001321852.2, NM_001321853.2 and 4 more transcripts); short protein forms T276S.
Identifiers: ClinVar variation 1381161 (VCV001381161.6), dbSNP rs1656748757, ClinGen allele CA340675348.